The following is an entry in ClinVar:

ClinVar aggregate classification (germline): Likely benign (1 of 4 stars; one submission).

Allele frequency attached by ClinVar (database versions not stated): TOPMed below 0.00001; gnomAD 0.00001; gnomAD exomes 0.00001; ExAC 0.00003.
gnomAD v4.1: 22 of 1,604,858 alleles (0.0014%); highest among the groups gnomAD compares: Middle Eastern, 0.017%; no homozygotes.

Submission:

CeGaT Center for Human Genetics Tuebingen
Classification: Likely benign. Last evaluated: 2024-10-01. Review status: criteria provided, single submitter. Criteria: CeGaT Center For Human Genetics Tuebingen Variant Classification Criteria Version 2. Collection method: clinical testing. Allele origin: germline. Affected: yes. Observed: 2 variant alleles.
Comment: DHX30: BS2

NM_138615.3(DHX30):c.3505G>A (p.Gly1169Arg)

Gene: DHX30 (DExH-box helicase 30; plus strand). Cytogenetic location: 3p21.31.
Variant type: single nucleotide variant.
Coding change: c.3505G>A on transcript NM_138615.3 (MANE Select); coding-DNA position 3505, G replaced by A.
Protein change: p.Gly1169Arg; replaces glycine 1169 with arginine.
Molecular consequence: missense variant.
Genome position (GRCh38, 1-based): chr3:47,850,040, G>A. VCF-style: chr3-47850040-G-A. GRCh37 (hg19) VCF-style: chr3-47891530-G-A.
Other names: c.3421G>A, p.Gly1141Arg (NM_001330990.2); c.3388G>A, p.Gly1130Arg (NM_014966.4); short protein forms G1130R, G1141R, G1169R.
Identifiers: ClinVar variation 3024676 (VCV003024676.22), dbSNP rs756267083, ClinGen allele CA2370424.